The following is an entry in ClinVar:

NM_024422.6(DSC2):c.1077+33A>G

Gene: DSC2 (desmocollin 2; minus strand). Cytogenetic location: 18q12.1.
Variant type: single nucleotide variant.
Coding change: c.1077+33A>G on transcript NM_024422.6 (MANE Select); 33 bases into the intron after coding-DNA position 1077, A replaced by G.
Molecular consequence: intron variant.
Genome position (GRCh38, 1-based): chr18:31,082,893, T>C on the plus strand (A>G on the coding strand, the complement: DSC2 is on the minus strand). VCF-style: chr18-31082893-T-C. GRCh37 (hg19) VCF-style: chr18-28662859-T-C.
Other names: c.1077+33A>G (NM_004949.5).
Identifiers: ClinVar variation 671450 (VCV000671450.1), dbSNP rs75019786, ClinGen allele CA029517.

ClinVar aggregate classification (germline): Likely benign (1 of 4 stars; one submission).

Allele frequency attached by ClinVar (database versions not stated): gnomAD exomes 0.00182; ExAC 0.00251; gnomAD 0.00642 and 0.00680; TOPMed 0.00696; 1000 Genomes Project 0.00739; ESP Exome Variant Server 0.00769; 1000 Genomes Project 30x 0.00828.
gnomAD v4.1: 1,835 of 1,608,586 alleles (0.11%); highest among the groups gnomAD compares: African/African-American, 2.1%; 19 homozygotes.

Submission:

GeneDx
Classification: Likely benign. Last evaluated: 2018-06-14. Review status: criteria provided, single submitter. Criteria: GeneDx Variant Classification (06012015). Collection method: clinical testing. Allele origin: germline. Affected: yes.
Comment: This variant is considered likely benign or benign based on one or more of the following criteria: it is a conservative change, it occurs at a poorly conserved position in the protein, it is predicted to be benign by multiple in silico algorithms, and/or has population frequency not consistent with disease.